The following is an entry in ClinVar:

ClinVar aggregate classification (germline): Uncertain significance. Review status: criteria provided, multiple submitters, no conflicts (2 of 4 stars). 2 submissions from 2 submitters: Uncertain significance (2). Last evaluated 2025-01-27.

Allele frequency attached by ClinVar (database versions not stated): gnomAD 0.00001; ExAC 0.00002; TOPMed 0.00003; gnomAD exomes 0.00004; ESP Exome Variant Server 0.00008.
gnomAD v4.1: 57 of 1,612,690 alleles (0.0035%); highest among the groups gnomAD compares: Non-Finnish European, 0.0047%; no homozygotes.

Submissions (2):

Women's Health and Genetics/Laboratory Corporation of America, LabCorp
Classification: Uncertain significance. Last evaluated: 2025-01-27. Review status: criteria provided, single submitter. Criteria: LabCorp Variant Classification Summary - May 2015. Collection method: clinical testing. Allele origin: germline.
Comment: Variant summary: ADAMTS13 c.1108C>T (p.Arg370Cys) results in a non-conservative amino acid change located in the ADAM Cysteine-Rich Domain (IPR006586) of the encoded protein sequence. Three of five in-silico tools predict a damaging effect of the variant on protein function. The variant allele was found at a frequency of 2e-05 in 249702 control chromosomes. The available data on variant occurrences in the general population are insufficient to allow any conclusion about variant significance. To our knowledge, no occurrence of c.1108C>T in individuals affected with Thrombotic Thrombocytopenic Purpura and no experimental evidence demonstrating its impact on protein function have been reported. ClinVar contains an entry for this variant (Variation ID: 2957842). Based on the evidence outlined above, the variant was classified as uncertain significance.

Labcorp Genetics (formerly Invitae), Labcorp
Classification: Uncertain significance. Last evaluated: 2023-07-05. Review status: criteria provided, single submitter. Criteria: Invitae Variant Classification Sherloc (09022015). Collection method: clinical testing. Allele origin: germline.
Comment: In summary, the available evidence is currently insufficient to determine the role of this variant in disease. Therefore, it has been classified as a Variant of Uncertain Significance. Advanced modeling of protein sequence and biophysical properties (such as structural, functional, and spatial information, amino acid conservation, physicochemical variation, residue mobility, and thermodynamic stability) performed at Invitae indicates that this missense variant is expected to disrupt ADAMTS13 protein function. This variant has not been reported in the literature in individuals affected with ADAMTS13-related conditions. This variant is present in population databases (rs145252342, gnomAD 0.005%). This sequence change replaces arginine, which is basic and polar, with cysteine, which is neutral and slightly polar, at codon 370 of the ADAMTS13 protein (p.Arg370Cys).

NM_139027.6(ADAMTS13):c.1108C>T (p.Arg370Cys)

Gene: ADAMTS13 (ADAM metallopeptidase with thrombospondin type 1 motif 13; plus strand). Cytogenetic location: 9q34.2.
Variant type: single nucleotide variant.
Coding change: c.1108C>T on transcript NM_139027.6 (MANE Select); coding-DNA position 1108, C replaced by T.
Protein change: p.Arg370Cys; replaces arginine 370 with cysteine.
Molecular consequence: missense variant.
Genome position (GRCh38, 1-based): chr9:133,433,393, C>T. VCF-style: chr9-133433393-C-T. GRCh37 (hg19) VCF-style: chr9-136298513-C-T.
Other names: c.1108C>T, p.Arg370Cys (NM_139025.5); c.1015C>T, p.Arg339Cys (NM_139026.6); short protein forms R370C, R339C.
Identifiers: ClinVar variation 2957842 (VCV002957842.3), dbSNP rs145252342, ClinGen allele CA200926847.